The following is an entry in ClinVar:

NM_006031.6(PCNT):c.1980G>A (p.Leu660=)

Gene: PCNT (pericentrin; plus strand). Cytogenetic location: 21q22.3.
Variant type: single nucleotide variant.
Coding change: c.1980G>A on transcript NM_006031.6 (MANE Select); coding-DNA position 1980, G replaced by A.
Protein change: p.Leu660=; no amino-acid change (leucine 660 retained).
Molecular consequence: synonymous variant.
Genome position (GRCh38, 1-based): chr21:46,357,017, G>A. VCF-style: chr21-46357017-G-A. GRCh37 (hg19) VCF-style: chr21-47776932-G-A.
Other names: c.1980G>A (NM_006031.5); c.1626G>A, p.Leu542= (NM_001315529.2).
Identifiers: ClinVar variation 2967624 (VCV002967624.4), dbSNP rs781055715, ClinGen allele CA10078849.
Genomic context (GRCh38, chr21:46,357,017, plus strand): 5'-GCTCCTTTTCCACACAGAGCTTCCCTGGGTGCATCTCCAGGGTGTGCAGGACGGGGACTT[G>A]GAGGCCGACACAGAGCGGGCAGCCAGAGTCTTGGGTCTGGAAACTGAGCACAAGGTGCAA-3'
Protein context (NP_006022.3, residues 650-670): VHLQGVQDGD[Leu660=]EADTERAARV

ClinVar aggregate classification (germline): Likely benign. Review status: criteria provided, single submitter (1 of 4 stars). 2 submissions from 2 submitters: Likely benign (1). 1 of the submissions does not count toward it. Last evaluated 2024-02-17.

Conditions:
PCNT-related disorder. Also called: PCNT-related condition.

Allele frequency attached by ClinVar (database versions not stated): gnomAD 0.00001; ExAC 0.00002; TOPMed 0.00002; gnomAD exomes 0.00003.
gnomAD v4.1: 49 of 1,614,110 alleles (0.003%); highest among the groups gnomAD compares: Non-Finnish European, 0.0041%; no homozygotes.

Submissions (2):

Labcorp Genetics (formerly Invitae), Labcorp
Classification: Likely benign. Last evaluated: 2024-02-17. Review status: criteria provided, single submitter. Criteria: Invitae Variant Classification Sherloc (09022015). Collection method: clinical testing. Allele origin: germline.

PreventionGenetics, part of Exact Sciences
Classification: Likely benign for PCNT-related condition. Last evaluated: 2023-07-15. Review status: no assertion criteria provided. Collection method: clinical testing. Allele origin: germline. Not counted in ClinVar's aggregate classification.
Comment: This variant is classified as likely benign based on ACMG/AMP sequence variant interpretation guidelines (Richards et al. 2015 PMID: 25741868, with internal and published modifications).